The following is an entry in ClinVar:

ClinVar aggregate classification (germline): Uncertain significance (1 of 4 stars; one submission).

Conditions:
DNAAF4-related disorder. Also called: DNAAF4-related condition.

Submission:

PreventionGenetics, part of Exact Sciences
Classification: Uncertain significance for DNAAF4-related condition. Last evaluated: 2022-09-19. Review status: criteria provided, single submitter. Criteria: ACMG Guidelines, 2015. Collection method: clinical testing. Allele origin: germline.
Comment: The DNAAF4 c.1221G>C variant is predicted to result in the amino acid substitution p.Glu407Asp. To our knowledge, this variant has not been reported in the literature or in a large population database, indicating this variant is rare. At this time, the clinical significance of this variant is uncertain due to the absence of conclusive functional and genetic evidence.

NM_130810.4(DNAAF4):c.1221G>C (p.Glu407Asp)

Genes: DNAAF4 (dynein axonemal assembly factor 4; minus strand), DNAAF4-CCPG1 (DNAAF4-CCPG1 readthrough (NMD candidate); minus strand). Cytogenetic location: 15q21.3.
Variant type: single nucleotide variant.
Coding change: c.1221G>C on transcript NM_130810.4 (MANE Select); coding-DNA position 1221, G replaced by C.
Protein change: p.Glu407Asp; replaces glutamic acid 407 with aspartic acid.
Molecular consequence: missense variant. On other transcripts: intron variant (1).
Genome position (GRCh38, 1-based): chr15:55,430,712, C>G on the plus strand (G>C on the coding strand, the complement: DNAAF4 is on the minus strand). VCF-style: chr15-55430712-C-G. GRCh37 (hg19) VCF-style: chr15-55722910-C-G.
Other names: c.1115G>C, p.Arg372Thr (NM_001033559.3); c.1047+4193G>C (NM_001033560.2); short protein forms E407D, R372T.
Identifiers: ClinVar variation 2637240 (VCV002637240.1), dbSNP rs2057478537, ClinGen allele CA392546603.